The following is an entry in ClinVar:

ClinVar aggregate classification (germline): Likely benign. Review status: criteria provided, multiple submitters, no conflicts (2 of 4 stars). 2 submissions from 2 submitters: Likely benign (2). Last evaluated 2025-03-19.

Allele frequency attached by ClinVar (database versions not stated): TOPMed 0.00002; gnomAD 0.00003 and 0.00004; gnomAD exomes 0.00009 and 0.00010; ExAC 0.00030.

Submissions (2):

Labcorp Genetics (formerly Invitae), Labcorp
Classification: Likely benign. Last evaluated: 2025-03-19. Review status: criteria provided, single submitter. Criteria: Invitae Variant Classification Sherloc (09022015). Collection method: clinical testing. Allele origin: germline.

GeneDx
Classification: Likely benign. Last evaluated: 2018-03-26. Review status: criteria provided, single submitter. Criteria: GeneDx Variant Classification (06012015). Collection method: clinical testing. Allele origin: germline. Affected: yes.
Comment: This variant is considered likely benign or benign based on one or more of the following criteria: it is a conservative change, it occurs at a poorly conserved position in the protein, it is predicted to be benign by multiple in silico algorithms, and/or has population frequency not consistent with disease.

NM_006907.4(PYCR1):c.642C>T (p.Ala214=)

Gene: PYCR1 (pyrroline-5-carboxylate reductase 1; minus strand). Cytogenetic location: 17q25.3.
Variant type: single nucleotide variant.
Coding change: c.642C>T on transcript NM_006907.4 (MANE Select); coding-DNA position 642, C replaced by T.
Protein change: p.Ala214=; no amino-acid change (alanine 214 retained).
Molecular consequence: synonymous variant. On other transcripts: intron variant (1).
Genome position (GRCh38, 1-based): chr17:81,934,481, G>A on the plus strand (C>T on the coding strand, the complement: PYCR1 is on the minus strand). VCF-style: chr17-81934481-G-A. GRCh37 (hg19) VCF-style: chr17-79892357-G-A.
Other names: c.549C>T, p.Ala183= (NM_001282279.2); c.642C>T, p.Ala214= (NM_001282280.2, NM_153824.3); c.723C>T, p.Ala241= (NM_001282281.2); c.633+172C>T (NM_001330523.2).
Identifiers: ClinVar variation 681171 (VCV000681171.4), dbSNP rs756416249, ClinGen allele CA8845347.